The following is an entry in ClinVar:

ClinVar aggregate classification (germline): Uncertain significance. Review status: criteria provided, single submitter (1 of 4 stars). 2 submissions from 2 submitters: Uncertain significance (1). 1 of the submissions does not count toward it. Last evaluated 2021-05-20.

Conditions:
Autosomal recessive limb-girdle muscular dystrophy type 2A (LGMDR1). Also called: LEYDEN-MOEBIUS MUSCULAR DYSTROPHY; Limb-girdle muscular dystrophy, type 2A; Calpainopathy; Muscular dystrophy, limb-girdle, type 2A, Amish; MUSCULAR DYSTROPHY, PELVOFEMORAL. Identifiers: Orphanet 267, MedGen C1869123, MONDO:0009675, OMIM 253600. Disease mechanism: loss of function.

Allele frequency attached by ClinVar (database versions not stated): TOPMed below 0.00001; gnomAD 0.00001; gnomAD exomes 0.00001; ExAC 0.00002; 1000 Genomes Project 30x 0.00016; 1000 Genomes Project 0.00020.

Submissions (2):

Labcorp Genetics (formerly Invitae), Labcorp
Classification: Uncertain significance for Autosomal recessive limb-girdle muscular dystrophy type 2A. Last evaluated: 2021-05-20. Review status: criteria provided, single submitter. Criteria: Invitae Variant Classification Sherloc (09022015). Collection method: clinical testing. Allele origin: germline.
Comment: This variant has not been reported in the literature in individuals with CAPN3-related conditions. This variant is present in population databases (rs199739866, ExAC 0.003%). This sequence change replaces proline with leucine at codon 601 of the CAPN3 protein (p.Pro601Leu). The proline residue is moderately conserved and there is a moderate physicochemical difference between proline and leucine. Algorithms developed to predict the effect of missense changes on protein structure and function are either unavailable or do not agree on the potential impact of this missense change (SIFT: "Deleterious"; PolyPhen-2: "Possibly Damaging"; Align-GVGD: "Class C0"). In summary, the available evidence is currently insufficient to determine the role of this variant in disease. Therefore, it has been classified as a Variant of Uncertain Significance.

Natera, Inc.
Classification: Uncertain significance for Limb-girdle muscular dystrophy type 2A. Last evaluated: 2025-03-13. Review status: no assertion criteria provided. Collection method: clinical testing. Allele origin: germline. Not counted in ClinVar's aggregate classification.

NM_000070.3(CAPN3):c.1802C>T (p.Pro601Leu)

Gene: CAPN3 (calpain 3; plus strand). Cytogenetic location: 15q15.1.
Variant type: single nucleotide variant.
Coding change: c.1802C>T on transcript NM_000070.3 (MANE Select); coding-DNA position 1802, C replaced by T.
Protein change: p.Pro601Leu; replaces proline 601 with leucine.
Molecular consequence: missense variant. On other transcripts: intron variant (3).
Genome position (GRCh38, 1-based): chr15:42,408,212, C>T. VCF-style: chr15-42408212-C-T. GRCh37 (hg19) VCF-style: chr15-42700410-C-T.
Other names: c.1784C>T, p.Pro595Leu (NM_024344.2); c.266C>T, p.Pro89Leu (NM_173088.2); c.1639-1091C>T (NM_173087.2); c.-81-1091C>T (NM_173090.2, NM_173089.2); c.1802C>T (NM_000070.2); short protein forms P595L, P601L, P89L.
Identifiers: ClinVar variation 1421772 (VCV001421772.7), dbSNP rs199739866, ClinGen allele CA7511562.